The following is an entry in ClinVar:

NM_001005361.3(DNM2):c.2317T>C (p.Ser773Pro)

Gene: DNM2 (dynamin 2; plus strand). Cytogenetic location: 19p13.2.
Variant type: single nucleotide variant.
Coding change: c.2317T>C on transcript NM_001005361.3 (MANE Select); coding-DNA position 2317, T replaced by C.
Protein change: p.Ser773Pro; replaces serine 773 with proline.
Molecular consequence: missense variant.
Genome position (GRCh38, 1-based): chr19:10,830,152, T>C. VCF-style: chr19-10830152-T-C. GRCh37 (hg19) VCF-style: chr19-10940828-T-C.
Other names: c.2317T>C, p.Ser773Pro (NM_001005360.3, NM_001190716.2); c.2305T>C, p.Ser769Pro (NM_001005362.3, NM_004945.4); short protein forms S769P, S773P.
Identifiers: ClinVar variation 3340212 (VCV003340212.1).
Genomic context (GRCh38, chr19:10,830,152, plus strand): 5'-TGTATCTGTAGCTCACACCCTCTCCTTCCTCACAGCCCCACTCCACAGCGCCGACCGGTG[T>C]CCAGCATACACCCCCCTGGCCGGCCCCCAGCAGTGAGGGGCCCCACTCCAGGGCCCCCCC-3'
Protein context (NP_001005361.1, residues 763-783): HSPTPQRRPV[Ser773Pro]SIHPPGRPPA

ClinVar aggregate classification (germline): Uncertain significance (1 of 4 stars; one submission).

Submission:

GeneDx
Classification: Uncertain significance. Last evaluated: 2023-11-17. Review status: criteria provided, single submitter. Criteria: GeneDx Variant Classification Process June 2021. Collection method: clinical testing. Allele origin: germline. Affected: yes.
Comment: Not observed at significant frequency in large population cohorts (gnomAD); Missense variants in this gene are a common cause of disease and they are underrepresented in the general population; In silico analysis supports that this missense variant does not alter protein structure/function; Has not been previously published as pathogenic or benign to our knowledge; This variant is associated with the following publications: (PMID: 16227997)